The following is an entry in ClinVar:

ClinVar aggregate classification (germline): Likely benign. Review status: criteria provided, multiple submitters, no conflicts (2 of 4 stars). 3 submissions from 3 submitters: Likely benign (3). Last evaluated 2026-09-01.

Allele frequency attached by ClinVar (database versions not stated): 1000 Genomes Project 0.00080; 1000 Genomes Project 30x 0.00094; TOPMed 0.00128; ESP Exome Variant Server 0.00221; gnomAD 0.00315.
gnomAD v4.1: 3,113 of 1,612,582 alleles (0.19%); highest among the groups gnomAD compares: Non-Finnish European, 0.22%; 8 homozygotes.

Submissions (3):

CeGaT Center for Human Genetics Tuebingen
Classification: Likely benign. Last evaluated: 2026-09-01. Review status: criteria provided, single submitter. Criteria: CeGaT Center For Human Genetics Tuebingen Variant Classification Criteria Version 2. Collection method: clinical testing. Allele origin: germline. Affected: yes. Observed: 4 variant alleles.
Comment: GP6: BP4

Labcorp Genetics (formerly Invitae), Labcorp
Classification: Likely benign. Last evaluated: 2026-02-01. Review status: criteria provided, single submitter. Criteria: Invitae Variant Classification Sherloc (09022015). Collection method: clinical testing. Allele origin: germline.

Blueprint Genetics
Classification: Likely benign. Last evaluated: 2024-11-27. Review status: criteria provided, single submitter. Criteria: ACMG Guidelines, 2015. Collection method: clinical testing. Allele origin: germline.

NM_016363.5(GP6):c.*526T>G

Gene: GP6 (glycoprotein VI platelet; minus strand). Cytogenetic location: 19q13.42.
Variant type: single nucleotide variant.
Coding change: c.*526T>G on transcript NM_016363.5 (MANE Select); 526 bases downstream of the stop codon, T replaced by G.
Molecular consequence: 3 prime UTR variant. On other transcripts: missense variant (1).
Genome position (GRCh38, 1-based): chr19:55,014,395, A>C on the plus strand (T>G on the coding strand, the complement: GP6 is on the minus strand). VCF-style: chr19-55014395-A-C. GRCh37 (hg19) VCF-style: chr19-55525763-A-C.
Other names: c.1550T>G, p.Met517Arg (NM_001083899.2); c.*526T>G (NM_001256017.2); short protein forms M517R.
Identifiers: ClinVar variation 777056 (VCV000777056.32), dbSNP rs200566792, ClinGen allele CA310121186.